The following is an entry in ClinVar:

NM_003718.5(CDK13):c.4133A>G (p.Asp1378Gly)

Gene: CDK13 (cyclin dependent kinase 13; plus strand). Cytogenetic location: 7p14.1.
Variant type: single nucleotide variant.
Coding change: c.4133A>G on transcript NM_003718.5 (MANE Select); coding-DNA position 4133, A replaced by G.
Protein change: p.Asp1378Gly; replaces aspartic acid 1378 with glycine.
Molecular consequence: missense variant.
Genome position (GRCh38, 1-based): chr7:40,094,574, A>G. VCF-style: chr7-40094574-A-G. GRCh37 (hg19) VCF-style: chr7-40134173-A-G.
Other names: c.3953A>G, p.Asp1318Gly (NM_031267.4); short protein forms D1318G, D1378G.
Identifiers: ClinVar variation 3683351 (VCV003683351.2).

ClinVar aggregate classification (germline): Uncertain significance (1 of 4 stars; one submission).

gnomAD v4.1: 2 of 1,612,558 alleles (0.00012%); highest among the groups gnomAD compares: South Asian, 0.0022%; no homozygotes.

Submission:

Labcorp Genetics (formerly Invitae), Labcorp
Classification: Uncertain significance. Last evaluated: 2024-04-05. Review status: criteria provided, single submitter. Criteria: Invitae Variant Classification Sherloc (09022015). Collection method: clinical testing. Allele origin: germline.
Comment: This sequence change replaces aspartic acid, which is acidic and polar, with glycine, which is neutral and non-polar, at codon 1378 of the CDK13 protein (p.Asp1378Gly). This variant is not present in population databases (gnomAD no frequency). This variant has not been reported in the literature in individuals affected with CDK13-related conditions. Advanced modeling of protein sequence and biophysical properties (such as structural, functional, and spatial information, amino acid conservation, physicochemical variation, residue mobility, and thermodynamic stability) performed at Invitae indicates that this missense variant is not expected to disrupt CDK13 protein function with a negative predictive value of 95%. In summary, the available evidence is currently insufficient to determine the role of this variant in disease. Therefore, it has been classified as a Variant of Uncertain Significance.